The following is an entry in ClinVar:

NM_002230.4(JUP):c.1170G>C (p.Glu390Asp)

Gene: JUP (junction plakoglobin; minus strand). Cytogenetic location: 17q21.2.
Variant type: single nucleotide variant.
Coding change: c.1170G>C on transcript NM_002230.4 (MANE Select); coding-DNA position 1170, G replaced by C.
Protein change: p.Glu390Asp; replaces glutamic acid 390 with aspartic acid.
Molecular consequence: missense variant.
Genome position (GRCh38, 1-based): chr17:41,763,310, C>G on the plus strand (G>C on the coding strand, the complement: JUP is on the minus strand). VCF-style: chr17-41763310-C-G. GRCh37 (hg19) VCF-style: chr17-39919562-C-G.
Other names: c.1170G>C, p.Glu390Asp (NM_001352773.2, NM_001352774.2, NM_001352775.2 and 3 more transcripts); short protein forms E390D.
Identifiers: ClinVar variation 4794773 (VCV004794773.1).

ClinVar aggregate classification (germline): Uncertain significance (1 of 4 stars; one submission).

Conditions:
Arrhythmogenic right ventricular dysplasia 12. Also called: ARRHYTHMOGENIC RIGHT VENTRICULAR DYSPLASIA, FAMILIAL, 12. Identifiers: MedGen C1969081, MONDO:0012684, OMIM 611528.
Naxos disease (NXD). Also called: PALMOPLANTAR KERATODERMA WITH ARRHYTHMOGENIC RIGHT VENTRICULAR CARDIOMYOPATHY AND WOOLLY HAIR; WOOLLY HAIR, PALMOPLANTAR KERATODERMA, AND CARDIAC ABNORMALITIES; CARDIOMYOPATHY, ARRHYTHMOGENIC RIGHT VENTRICULAR, WITH SKIN, HAIR, AND NAIL ABNORMALITIES; KERATOSIS PALMOPLANTARIS WITH ARRHYTHMOGENIC CARDIOMYOPATHY; MAL DE NAXOS. Identifiers: Orphanet 34217, MedGen C1832600, MONDO:0011017, OMIM 601214.

gnomAD v4.1: 1 of 1,613,882 alleles (0.000062%); highest among the groups gnomAD compares: African/African-American, 0.0013%; no homozygotes.

Submission:

Labcorp Genetics (formerly Invitae), Labcorp
Classification: Uncertain significance for Arrhythmogenic right ventricular dysplasia 12; Naxos disease. Last evaluated: 2025-06-09. Review status: criteria provided, single submitter. Criteria: Invitae Variant Classification Sherloc (09022015). Collection method: clinical testing. Allele origin: germline.
Comment: This sequence change replaces glutamic acid, which is acidic and polar, with aspartic acid, which is acidic and polar, at codon 390 of the JUP protein (p.Glu390Asp). This variant is not present in population databases (gnomAD no frequency). This variant has not been reported in the literature in individuals affected with JUP-related conditions. An algorithm developed to predict the effect of missense changes on protein structure and function outputs the following: PolyPhen-2: "Benign". The aspartic acid amino acid residue is found in multiple mammalian species, which suggests that this missense change does not adversely affect protein function. In summary, the available evidence is currently insufficient to determine the role of this variant in disease. Therefore, it has been classified as a Variant of Uncertain Significance.